The following is an entry in ClinVar:

NM_001370259.2(MEN1):c.1567G>C (p.Ala523Pro)

Gene: MEN1 (menin 1; minus strand). Cytogenetic location: 11q13.1.
Variant type: single nucleotide variant.
Coding change: c.1567G>C on transcript NM_001370259.2 (MANE Select); coding-DNA position 1567, G replaced by C.
Protein change: p.Ala523Pro; replaces alanine 523 with proline.
Molecular consequence: missense variant.
Genome position (GRCh38, 1-based): chr11:64,804,600, C>G on the plus strand (G>C on the coding strand, the complement: MEN1 is on the minus strand). VCF-style: chr11-64804600-C-G. GRCh37 (hg19) VCF-style: chr11-64572072-C-G.
Other names: c.1567G>C, p.Ala523Pro (NM_001370260.2, NM_001370261.2, NM_130799.3); c.1462G>C, p.Ala488Pro (NM_001370262.2, NM_001370263.2); c.1582G>C, p.Ala528Pro (NM_130800.3, NM_130801.3, NM_130802.3 and 3 more transcripts); c.1582G>C (NM_000244.3); c.1693G>C, p.Ala565Pro (NM_001370251.2); short protein forms A523P, A528P, A565P, A488P.
Identifiers: ClinVar variation 188354 (VCV000188354.13), dbSNP rs760683615, ClinGen allele CA009213.

ClinVar aggregate classification (germline): Conflicting classifications of pathogenicity. Review status: criteria provided, conflicting classifications (1 of 4 stars). 5 submissions from 5 submitters: Uncertain significance (3); Likely benign (1). 1 of the submissions does not count toward it. Last evaluated 2025-07-16.

Conditions:
Multiple endocrine neoplasia, type 1 (MEN1). Also called: MEA I; MEN I; WERMER SYNDROME; Endocrine adenomatosis multiple; MEN 1. Identifiers: Orphanet 652, MedGen C0025267, MeSH D018761, MONDO:0007540, OMIM 131100.
MEN1-related disorder. Also called: MEN1-related condition.
Hereditary cancer-predisposing syndrome. Also called: Hereditary Cancer Syndrome; Neoplastic Syndromes, Hereditary; Tumor predisposition; Hereditary neoplastic syndrome. Identifiers: Orphanet 140162, MedGen C0027672, MeSH D009386, MONDO:0015356.

Submissions (5):

Color Diagnostics, LLC DBA Color Health
Classification: Uncertain significance for Multiple endocrine neoplasia, type 1. Last evaluated: 2025-07-16. Review status: criteria provided, single submitter. Criteria: ACMG Guidelines, 2015. Collection method: clinical testing. Allele origin: germline.
Comment: This missense variant replaces alanine with proline at codon 523 of the MEN1 protein. Computational prediction suggests that this variant may not impact protein structure and function. To our knowledge, functional studies have not been reported for this variant. This variant has not been reported in individuals affected with MEN1-related disorders in the literature. This variant has been identified in 3/246392 chromosomes in the general population by the Genome Aggregation Database (gnomAD). The available evidence is insufficient to determine the role of this variant in disease conclusively. Therefore, this variant is classified as a Variant of Uncertain Significance.

Labcorp Genetics (formerly Invitae), Labcorp
Classification: Uncertain significance for Multiple endocrine neoplasia, type 1. Last evaluated: 2025-01-14. Review status: criteria provided, single submitter. Criteria: Invitae Variant Classification Sherloc (09022015). Collection method: clinical testing. Allele origin: germline.
Comment: This sequence change replaces alanine, which is neutral and non-polar, with proline, which is neutral and non-polar, at codon 523 of the MEN1 protein (p.Ala523Pro). This variant is present in population databases (rs760683615, gnomAD 0.003%). This variant has not been reported in the literature in individuals affected with MEN1-related conditions. ClinVar contains an entry for this variant (Variation ID: 188354). Invitae Evidence Modeling of protein sequence and biophysical properties (such as structural, functional, and spatial information, amino acid conservation, physicochemical variation, residue mobility, and thermodynamic stability) indicates that this missense variant is not expected to disrupt MEN1 protein function with a negative predictive value of 95%. In summary, the available evidence is currently insufficient to determine the role of this variant in disease. Therefore, it has been classified as a Variant of Uncertain Significance.

All of Us Research Program, National Institutes of Health
Classification: Uncertain significance for Multiple endocrine neoplasia, type 1. Last evaluated: 2024-09-23. Review status: criteria provided, single submitter. Criteria: ACMG Guidelines, 2015. Collection method: clinical testing. Allele origin: germline. Inheritance: Autosomal dominant inheritance. Observed: 1 variant allele, 1 heterozygote.
Comment: This study involves interpretation of variants in research participants for the purpose of population health screening. Participant phenotype was not available at the time of variant classification. Additional details can be found in publication PMID: 35346344, PMCID: PMC8962531

Ambry Genetics
Classification: Likely benign for Hereditary cancer-predisposing syndrome. Last evaluated: 2019-07-12. Review status: criteria provided, single submitter. Criteria: Ambry Variant Classification Scheme 2023. Collection method: clinical testing. Allele origin: germline.

PreventionGenetics, part of Exact Sciences
Classification: Uncertain significance for MEN1-related condition. Last evaluated: 2024-07-09. Review status: no assertion criteria provided. Collection method: clinical testing. Allele origin: germline. Not counted in ClinVar's aggregate classification.
Comment: The MEN1 c.1582G>C variant is predicted to result in the amino acid substitution p.Ala528Pro. To our knowledge, this variant has not been reported in the literature. This variant is reported in 0.0027% of alleles in individuals of European (Non-Finnish) descent in gnomAD. This variant has conflicting interpretations in ClinVar from uncertain significance to likely benign. At this time, the clinical significance of this variant is uncertain due to the absence of conclusive functional and genetic evidence.